The following is an entry in ClinVar:

NM_001042492.3(NF1):c.4579G>A (p.Asp1527Asn)

Gene: NF1 (neurofibromin 1; plus strand). Cytogenetic location: 17q11.2.
Variant type: single nucleotide variant.
Coding change: c.4579G>A on transcript NM_001042492.3 (MANE Select); coding-DNA position 4579, G replaced by A.
Protein change: p.Asp1527Asn; replaces aspartic acid 1527 with asparagine.
Molecular consequence: missense variant.
Genome position (GRCh38, 1-based): chr17:31,261,712, G>A. VCF-style: chr17-31261712-G-A. GRCh37 (hg19) VCF-style: chr17-29588730-G-A.
Other names: c.4516G>A, p.Asp1506Asn (NM_000267.4); short protein forms D1527N, D1506N.
Identifiers: ClinVar variation 2844925 (VCV002844925.5), dbSNP rs587781542, ClinGen allele CA399000086.

ClinVar aggregate classification (germline): Uncertain significance. Review status: criteria provided, multiple submitters, no conflicts (2 of 4 stars). 2 submissions from 2 submitters: Uncertain significance (2). Last evaluated 2026-08-10.

Conditions:
Neurofibromatosis, type 1 (NF1). Also called: Neurofibromatosis, type I; NEUROFIBROMATOSIS, TYPE I, SOMATIC; Peripheral type neurofibromatosis; VON RECKLINGHAUSEN DISEASE. Identifiers: Orphanet 636, MedGen C0027831, MONDO:0018975, OMIM 162200. Disease mechanism: loss of function.

Submissions (2):

GeneDx
Classification: Uncertain significance. Last evaluated: 2026-08-10. Review status: criteria provided, single submitter. Criteria: GeneDx Variant Classification Process June 2021. Collection method: clinical testing. Allele origin: germline.
Comment: Not observed at significant frequency in large population cohorts (gnomAD); In silico analysis supports that this missense variant has a deleterious effect on protein structure/function; Has not been previously published as pathogenic or benign to our knowledge; This variant is associated with the following publications: (PMID: 22807134)

Labcorp Genetics (formerly Invitae), Labcorp
Classification: Uncertain significance for Neurofibromatosis, type 1. Last evaluated: 2023-03-11. Review status: criteria provided, single submitter. Criteria: Invitae Variant Classification Sherloc (09022015). Collection method: clinical testing. Allele origin: germline.
Comment: In summary, the available evidence is currently insufficient to determine the role of this variant in disease. Therefore, it has been classified as a Variant of Uncertain Significance. An algorithm developed to predict the effect of missense changes on protein structure and function (PolyPhen-2) suggests that this variant is likely to be disruptive. This variant has not been reported in the literature in individuals affected with NF1-related conditions. This variant is not present in population databases (gnomAD no frequency). This sequence change replaces aspartic acid, which is acidic and polar, with asparagine, which is neutral and polar, at codon 1506 of the NF1 protein (p.Asp1506Asn).